The following is an entry in ClinVar:

NM_000132.4(F8):c.6274-2A>G

Gene: F8 (coagulation factor VIII; minus strand). Cytogenetic location: Xq28.
Variant type: single nucleotide variant.
Coding change: c.6274-2A>G on transcript NM_000132.4 (MANE Select); the canonical splice acceptor site of the intron before coding-DNA position 6274, A replaced by G.
Molecular consequence: splice acceptor variant.
Genome position (GRCh38, 1-based): chrX:154,896,234, T>C on the plus strand (A>G on the coding strand, the complement: F8 is on the minus strand). VCF-style: chrX-154896234-T-C. GRCh37 (hg19) VCF-style: chrX-154124509-T-C.
Identifiers: ClinVar variation 2444267 (VCV002444267.1), dbSNP rs2523876957, ClinGen allele CA414900446.

ClinVar aggregate classification (germline): Likely pathogenic (1 of 4 stars; one submission).

Conditions:
Hereditary factor VIII deficiency disease (HEMA). Also called: Hemophilia A, congenital; HEM A; Factor 8 deficiency, congenital; HEMOPHILIA, CLASSIC; AUTOSOMAL HEMOPHILIA A; Hemophilia A. Identifiers: Orphanet 98878, MedGen C0019069, MONDO:0010602, OMIM 306700.

Submission:

3billion
Classification: Likely pathogenic for Hereditary factor VIII deficiency disease. Last evaluated: 2023-02-23. Review status: criteria provided, single submitter. Criteria: ACMG Guidelines, 2015. Collection method: clinical testing. Allele origin: unknown. Affected: yes.
Comment: The variant is not observed in the gnomAD v2.1.1 dataset. This variant was predicted to alter splicing and result in a loss or disruption of normal protein function. Multiple pathogenic loss-of-function variants are reported downstream of the variant. Therefore, this variant is classified as Likely pathogenic according to the recommendation of ACMG/AMP guideline.